The following is an entry in ClinVar:

NM_001031836.3(KCNU1):c.3266T>C (p.Val1089Ala)

Gene: KCNU1 (potassium calcium-activated channel subfamily U member 1; plus strand). Cytogenetic location: 8p11.23.
Variant type: single nucleotide variant.
Coding change: c.3266T>C on transcript NM_001031836.3 (MANE Select); coding-DNA position 3266, T replaced by C.
Protein change: p.Val1089Ala; replaces valine 1089 with alanine.
Molecular consequence: missense variant. On other transcripts: non-coding transcript variant (1).
Genome position (GRCh38, 1-based): chr8:36,935,736, T>C. VCF-style: chr8-36935736-T-C. GRCh37 (hg19) VCF-style: chr8-36793254-T-C.
Other names: short protein forms V1089A.
Identifiers: ClinVar variation 2673144 (VCV002673144.23), dbSNP rs1290997390, ClinGen allele CA370646888.

ClinVar aggregate classification (germline): Uncertain significance (1 of 4 stars; one submission).

Allele frequency attached by ClinVar (database versions not stated): gnomAD exomes below 0.00001; TOPMed below 0.00001.
gnomAD v4.1: 2 of 1,613,380 alleles (0.00012%); highest among the groups gnomAD compares: Non-Finnish European, 0.00017%; no homozygotes.

Submission:

CeGaT Center for Human Genetics Tuebingen
Classification: Uncertain significance. Last evaluated: 2023-11-01. Review status: criteria provided, single submitter. Criteria: CeGaT Center For Human Genetics Tuebingen Variant Classification Criteria Version 2. Collection method: clinical testing. Allele origin: germline. Affected: yes. Observed: 1 variant allele.
Comment: KCNU1: PM2, BP4